The following is an entry in ClinVar:

ClinVar aggregate classification (germline): Uncertain significance. Review status: criteria provided, multiple submitters, no conflicts (2 of 4 stars). 5 submissions from 5 submitters: Uncertain significance (5). Last evaluated 2024-11-07.

Conditions:
Catecholaminergic polymorphic ventricular tachycardia (CVPT). Also called: Catecholamine-induced polymorphic ventricular tachycardia. Identifiers: Orphanet 3286, MedGen C5574922, MONDO:0017990.
Cardiomyopathy (CMYO). Also called: Cardiomyopathies. Identifiers: Orphanet 167848, MedGen C0878544, MONDO:0004994, HP:0001638. Inheritance: Various modes of inheritance.
Catecholaminergic polymorphic ventricular tachycardia 1. Also called: VENTRICULAR TACHYCARDIA, CATECHOLAMINERGIC POLYMORPHIC, 1, WITH OR WITHOUT ATRIAL DYSFUNCTION AND/OR DILATED CARDIOMYOPATHY; VENTRICULAR TACHYCARDIA, STRESS-INDUCED POLYMORPHIC 1; RYR2-Related Catecholaminergic Polymorphic Ventricular Tachycardia. Identifiers: Orphanet 3286, MedGen C1631597, MONDO:0011484, OMIM 604772.
Cardiovascular phenotype. Identifiers: MedGen CN230736.

Allele frequency attached by ClinVar (database versions not stated): gnomAD 0.00001; gnomAD exomes 0.00001 and 0.00003; TOPMed 0.00003; ExAC 0.00004; 1000 Genomes Project 30x 0.00016; 1000 Genomes Project 0.00020.
gnomAD v4.1: 17 of 1,613,366 alleles (0.0011%); highest among the groups gnomAD compares: East Asian, 0.0089%; no homozygotes.

Submissions (5):

Labcorp Genetics (formerly Invitae), Labcorp
Classification: Uncertain significance for Catecholaminergic polymorphic ventricular tachycardia 1. Last evaluated: 2024-11-07. Review status: criteria provided, single submitter. Criteria: Invitae Variant Classification Sherloc (09022015). Collection method: clinical testing. Allele origin: germline.
Comment: This sequence change replaces glycine, which is neutral and non-polar, with arginine, which is basic and polar, at codon 2412 of the RYR2 protein (p.Gly2412Arg). This variant is present in population databases (rs550534270, gnomAD 0.01%). This variant has not been reported in the literature in individuals affected with RYR2-related conditions. ClinVar contains an entry for this variant (Variation ID: 580011). Invitae Evidence Modeling of protein sequence and biophysical properties (such as structural, functional, and spatial information, amino acid conservation, physicochemical variation, residue mobility, and thermodynamic stability) indicates that this missense variant is expected to disrupt RYR2 protein function with a positive predictive value of 95%. In summary, the available evidence is currently insufficient to determine the role of this variant in disease. Therefore, it has been classified as a Variant of Uncertain Significance.

GeneDx
Classification: Uncertain significance. Last evaluated: 2024-09-23. Review status: criteria provided, single submitter. Criteria: GeneDx Variant Classification Process June 2021. Collection method: clinical testing. Allele origin: germline. Affected: yes.
Comment: In silico analysis supports that this missense variant has a deleterious effect on protein structure/function; Reported in at least one heterozygous individual from a cohort of patients referred for clinical whole exome sequencing; however, clinical information was not provided (PMID: 28404607); This variant is associated with the following publications: (PMID: 19926015, 28404607, 34735682)

All of Us Research Program, National Institutes of Health
Classification: Uncertain significance for Catecholaminergic polymorphic ventricular tachycardia. Last evaluated: 2023-11-02. Review status: criteria provided, single submitter. Criteria: ACMG Guidelines, 2015. Collection method: clinical testing. Allele origin: germline. Inheritance: Autosomal dominant inheritance. Observed: 1 variant allele, 1 heterozygote.
Comment: This missense variant replaces glycine with arginine at codon 2412 of the RYR2 protein. Computational prediction suggests that this variant may have deleterious impact on protein structure and function (internally defined REVEL score threshold >= 0.7, PMID: 27666373). To our knowledge, functional studies have not been reported for this variant. This variant has not been reported in individuals affected with RYR2-related disorders in the literature. This variant has been identified in 7/249082 chromosomes in the general population by the Genome Aggregation Database (gnomAD). The available evidence is insufficient to determine the role of this variant in disease conclusively. Therefore, this variant is classified as a Variant of Uncertain Significance.

This study involves interpretation of variants in research participants for the purpose of population health screening. Participant phenotype was not available at the time of variant classification. Additional details can be found in publication PMID: 35346344, PMCID: PMC8962531

Color Diagnostics, LLC DBA Color Health
Classification: Uncertain significance for Cardiomyopathy. Last evaluated: 2023-10-13. Review status: criteria provided, single submitter. Criteria: ACMG Guidelines, 2015. Collection method: clinical testing. Allele origin: germline.
Comment: This missense variant replaces glycine with arginine at codon 2412 of the RYR2 protein. Computational prediction suggests that this variant may have deleterious impact on protein structure and function (internally defined REVEL score threshold >= 0.7, PMID: 27666373). To our knowledge, functional studies have not been reported for this variant. This variant has not been reported in individuals affected with RYR2-related disorders in the literature. This variant has been identified in 7/249082 chromosomes in the general population by the Genome Aggregation Database (gnomAD). The available evidence is insufficient to determine the role of this variant in disease conclusively. Therefore, this variant is classified as a Variant of Uncertain Significance.

Ambry Genetics
Classification: Uncertain significance for Cardiovascular phenotype. Last evaluated: 2019-12-04. Review status: criteria provided, single submitter. Criteria: Ambry Variant Classification Scheme 2023. Collection method: clinical testing. Allele origin: germline.
Comment: The p.G2412R variant (also known as c.7234G>A), located in coding exon 48 of the RYR2 gene, results from a G to A substitution at nucleotide position 7234. The glycine at codon 2412 is replaced by arginine, an amino acid with dissimilar properties. This amino acid position is well conserved in available vertebrate species. In addition, this alteration is predicted to be deleterious by in silico analysis. Since supporting evidence is limited at this time, the clinical significance of this alteration remains unclear.

NM_001035.3(RYR2):c.7234G>A (p.Gly2412Arg)

Gene: RYR2 (ryanodine receptor 2; plus strand). Cytogenetic location: 1q43.
Variant type: single nucleotide variant.
Coding change: c.7234G>A on transcript NM_001035.3 (MANE Select); coding-DNA position 7234, G replaced by A.
Protein change: p.Gly2412Arg; replaces glycine 2412 with arginine.
Molecular consequence: missense variant.
Genome position (GRCh38, 1-based): chr1:237,643,339, G>A. VCF-style: chr1-237643339-G-A. GRCh37 (hg19) VCF-style: chr1-237806639-G-A.
Other names: c.7234G>A, p.Gly2412Arg (LRG_402t1); short protein forms G2412R.
Identifiers: ClinVar variation 580011 (VCV000580011.18), dbSNP rs550534270, ClinGen allele CA087342.